The following is an entry in ClinVar:

NM_004408.4(DNM1):c.1335+1638G>A

Gene: DNM1 (dynamin 1; plus strand). Cytogenetic location: 9q34.11.
Variant type: single nucleotide variant.
Coding change: c.1335+1638G>A on transcript NM_004408.4 (MANE Select); 1638 bases into the intron after coding-DNA position 1335, G replaced by A.
Molecular consequence: intron variant.
Genome position (GRCh38, 1-based): chr9:128,226,027, G>A. VCF-style: chr9-128226027-G-A. GRCh37 (hg19) VCF-style: chr9-130988306-G-A.
Other names: c.1335+1638G>A (NM_001005336.3, NM_004408.2); c.1197-8G>A (NM_001288738.2, NM_001288737.2, NM_001288739.2).
Identifiers: ClinVar variation 429529 (VCV000429529.15), dbSNP rs747079285, ClinGen allele CA645369412.

ClinVar aggregate classification (germline): Pathogenic/Likely pathogenic. Review status: criteria provided, multiple submitters, no conflicts (2 of 4 stars). 8 submissions from 8 submitters: Pathogenic (6); Likely pathogenic (1). 1 of the submissions does not count toward it. Last evaluated 2025-05-27.

Conditions:
Developmental and epileptic encephalopathy, 31A. Also called: Epileptic encephalopathy, early infantile, 31; Developmental and epileptic encephalopathy, 31. Identifiers: Orphanet 2382, MedGen C4225357, MONDO:0014598, OMIM 616346.
Inborn genetic diseases. Identifiers: MedGen C0950123, MeSH D030342.
Developmental and epileptic encephalopathy, 1 (DEE1). Also called: X-linked infantile spasms; West's syndrome; Tonic spasms with clustering, arrest of psychomotor development and hypsarrhythmia on EEG; X-Linked Infantile Spasm Syndrome; OHTAHARA SYNDROME, X-LINKED; Epileptic encephalopathy, early infantile, 1. Identifiers: MedGen C3463992, MONDO:0010632, OMIM 308350. Disease mechanism: loss of function.

Submissions (8):

Variantyx, Inc.
Classification: Pathogenic for Developmental and epileptic encephalopathy, 31A. Last evaluated: 2025-05-27. Review status: criteria provided, single submitter. Criteria: Variantyx Assertion Criteria 2022. Collection method: clinical testing. Allele origin: germline. Inheritance: Autosomal recessive inheritance. Affected: yes.
Comment: This is an intronic variant in the DNM1 gene (OMIM: 602377). Pathogenic variants in this gene have been associated with autosomal dominant developmental and epileptic encephalopathy 31A. Functional studies have shown that this variant alters DNM1 protein function (PMID: 36413998) (PS3). Algorithms that predict the potential impact of sequence variants on RNA splicing suggest that this variant may disrupt normal splicing (PP3). This variant is absent from control populations (PM2). Based on the current evidence, this variant is classified as pathogenic for autosomal dominant developmental and epileptic encephalopathy 31A.

Ambry Genetics
Classification: Pathogenic for Inborn genetic diseases. Last evaluated: 2024-12-31. Review status: criteria provided, single submitter. Criteria: Ambry Variant Classification Scheme 2023. Collection method: clinical testing. Allele origin: germline.
Comment: The c.1335+1638G>A intronic alteration consists of a G to A substitution 1638 nucleotides after exon 10 in the DNM1 gene. The variant is also an intronic alteration in an alternative transcript of clinical relevance; the NM_001288737.1 c.1197-8G>A intronic alteration results from a G to A substitution 8 nucleotides before coding exon 10 (known as exon 10a in literature) of the DNM1 gene. Transcripts containing exon 10a have been identified as the major cortical DNM1 isoform (Parthasarathy, 2022). This variant was not reported in population-based cohorts in the Genome Aggregation Database (gnomAD). This variant was reported in multiple individuals with features consistent with DNM1-related developmental and epileptic encephalopathy; in at least one individual, it was determined to be de novo (Devanna, 2018; Parthasarathy, 2022). This nucleotide position is well conserved in available vertebrate species. Functional analysis demonstrated that this alteration causes abnormal splicing. Neuropathological samples revealed marked synaptic structural abnormalities with an accumulation of vesicles at the plasma membrane (Parthasarathy, 2022). In silico splice site analysis predicts that this alteration may weaken the native splice acceptor site and will result in the creation or strengthening of a novel splice acceptor site. Based on the available evidence, this alteration is classified as pathogenic.

Victorian Clinical Genetics Services, Murdoch Childrens Research Institute
Classification: Pathogenic for Developmental and epileptic encephalopathy, 31A. Last evaluated: 2024-10-10. Review status: criteria provided, single submitter. Criteria: ACMG Guidelines, 2015. Collection method: clinical testing. Allele origin: germline. Inheritance: Autosomal dominant inheritance. Affected: yes.
Comment: Based on the classification scheme VCGS_Germline_v1.3.5, this variant is classified as Pathogenic. Following criteria are met: 0103 - Dominant negative and loss of function are known mechanisms of disease in this gene and are associated with developmental and epileptic encephalopathy 31A (MIM#616346) and 31B (MIM#620352). Missense variants in the G-domain have a dominant negative mechanism, whereas missense variants in middle domain and PH domain are loss of function (PMID: 27066543, PMID: 28667181, PMID: 29397573). (I) 0108 - This gene is associated with both recessive and dominant disease. Monoallelic variants have been reported for developmental and epileptic encephalopathy 31A (MIM#616346) while rare reports of biallelic variants have been associated with developmental and epileptic encephalopathy 31B (MIM#620352). (I) 0217 - Non-coding variant with predicted effect. This variant is deep intronic in the MANE transcript (NM_004408.3); however, it is located in the splice region of exon 10a in clinically relevant transcripts such as NM_001288739.2, which is the most expressed isoform found in the brain. Minigene studies of the corresponding NM_001288739.2(DNM1):c.1197-8G>A variant have demonstrated this nucleotide change results in aberrant splicing of DNM1 (PMID: 36413998). (SP) 0251 - This variant is heterozygous. (I) 0301 - Variant is absent from gnomAD (v2, v3 and v4). (SP) 0311 - An alternative nucleotide change at the same nucleotide, is present in gnomAD (v4: 1 heterozygote, 0 homozygotes). (I) 0801 - This variant has strong previous evidence of pathogenicity in unrelated individuals. This variant has been reported as de novo in over ten unrelated individuals with a phenotype consistent with developmental and epileptic encephalopathy (PMIDs: 36413998, 32909139, 30097719; ClinVar). (SP) Legend: (SP) - Supporting pathogenic, (I) - Information, (SB) - Supporting benign

Broad Center for Mendelian Genomics, Broad Institute of MIT and Harvard
Classification: Pathogenic for Developmental and epileptic encephalopathy, 31A. Last evaluated: 2023-05-02. Review status: criteria provided, single submitter. Criteria: ACMG Guidelines, 2015. Collection method: curation. Allele origin: germline. Inheritance: Autosomal dominant inheritance.
Comment: Trio exome analysis showed this variant to be de novo. The c.1197-8G>A variant in DNM1 has been previously reported in 10 unrelated individuals with developmental and epileptic encephalopathy 31 (PMID: 36413998, PMID: 30097719, PMID: 32909139). The number of reported affected individuals with this variant is greater than expected compared to non-affected individuals with this variant. This variant was found to be de novo in 10 individuals with confirmed paternity and maternity (PMID: 36413998, PMID: 30097719, PMID: 32909139). This variant has also been reported in ClinVar (Variation ID: 429529) and has been interpreted as pathogenic by GeneDx and as likely pathogenic by Kasturba Medical College, Manipal, Manipal Academy of Higher Education (PMID: 36413998, PMID: 30097719, PMID: 32909139). This variant was absent from large population studies. In vitro functional studies provide some evidence that the variant may impact protein function, with minigene assays in HEK293 cells showing altered splicing with creation of a novel splice site 6bp upstream of the canonical splice site of exon 10 and in-frame insertion of 2 amino acids (a cysteine and an arginine (CR) in the beginning of exon 10, which was predicted by structural modeling to impede DNM1 protein oligomerization-induced GTPase activation (PMID: 36413998). However, these types of assays may not accurately represent biological function. This variant is located in the 3' splice region. Computational tools predict a splicing impact, though this information is not predictive enough to determine pathogenicity. In summary, this variant meets criteria to be classified as pathogenic for autosomal dominant developmental and epileptic encephalopathy 31. ACMG/AMP Criteria applied: PS2_VeryStrong, PS3_Supporting, PS4, PM2_Supporting (Richards 2015).

Illumina Laboratory Services, Illumina
Classification: Pathogenic. Last evaluated: 2022-08-23. Review status: criteria provided, single submitter. Criteria: ICSL CNVClassificationCriteria Aug2020. Collection method: clinical testing. Allele origin: unknown. Affected: yes.
Comment: The DNM1 c.1197-8G>A variant occurs in a splice region and results in the substitution of a guanine at nucleotide position c.1197-8 with an adenine. The variant is 8 bases upstream of exon 10a which is present in isoforms of DNM1 predominant in the brain, including the NM_001288739.1 transcript (PMID: 36413998). Three studies have reported the c.1197-8G>A variant in a presumed de novo state in ten individuals with developmental and epileptic encephalopathy (PMID: 30097719; PMID: 32909139;PMID: 36413998). This variant has been shown by minigene expression studies to result in the insertion of two amino acid residues (cystine and arginine) between arginine 399 and threonine 400. Structural analysis of the variant predicts that the insertion of two amino acid residues results in disruption of tetramerization, a process required to activate GTPase activity. This evidence suggests a dominant negative effect of the variant. Neuropathology analysis of brain tissue from an affected individual who was heterozygous for the variant showed abnormal vesicular fission and vesicle trafficking deficiency (PMID: 36413998). The c.1197-8G>A variant is not reported in the Genome Aggregation Database version 2.1.1 or 3.1.2. Based on the available evidence, the c.1197-8G>A variant is classified as pathogenic for developmental and epileptic encephalopathy.

GeneDx
Classification: Pathogenic. Last evaluated: 2022-05-26. Review status: criteria provided, single submitter. Criteria: GeneDx Variant Classification Process June 2021. Collection method: clinical testing. Allele origin: germline. Affected: yes.
Comment: Located in an alternative transcript of the gene; Not observed in large population cohorts (gnomAD); In silico analysis supports a deleterious effect on splicing; This variant is associated with the following publications: (PMID: 32909139, 30097719, 27535533)

Kasturba Medical College, Manipal, Kasturba Medical College, Manipal, Manipal Academy of Higher Education, Manipal, India
Classification: Likely pathogenic for Developmental and epileptic encephalopathy, 31A. Review status: criteria provided, single submitter. Criteria: ACMG Guidelines, 2015. Collection method: clinical testing. Allele origin: de novo. Inheritance: Autosomal dominant inheritance. Affected: yes. Observed: 1 heterozygote.

OMIM
Classification: Pathogenic for DEVELOPMENTAL AND EPILEPTIC ENCEPHALOPATHY 31A. Last evaluated: 2023-04-26. Review status: no assertion criteria provided. Collection method: literature only. Allele origin: germline. Not counted in ClinVar's aggregate classification.

Literature cited by the submitters: PubMed 36413998 (cited by 6 submitters); PubMed 30097719 (cited by 4 submitters); PubMed 27066543 (cited by Victorian Clinical Genetics Services, Murdoch Childrens Research Institute); PubMed 28667181 (cited by Victorian Clinical Genetics Services, Murdoch Childrens Research Institute); PubMed 29397573 (cited by Victorian Clinical Genetics Services, Murdoch Childrens Research Institute); PubMed 32909139 (cited by 3 submitters).